The following is an entry in ClinVar:

ClinVar aggregate classification (germline): Likely benign. Review status: criteria provided, multiple submitters, no conflicts (2 of 4 stars). 2 submissions from 2 submitters: Likely benign (2). Last evaluated 2025-06-13.

Conditions:
Rubinstein-Taybi syndrome due to EP300 haploinsufficiency. Also called: EP300-Related Rubinstein-Taybi Syndrome; RUBINSTEIN-TAYBI SYNDROME 2. Identifiers: Orphanet 353284, Orphanet 783, MedGen C3150941, MONDO:0013364, OMIM 613684.
EP300-related disorder. Also called: EP300-related condition; EP300-related disorders.

Allele frequency attached by ClinVar (database versions not stated): ESP Exome Variant Server 0.00015.
gnomAD v4.1: 60 of 1,613,948 alleles (0.0037%); highest among the groups gnomAD compares: East Asian, 0.029%; 1 homozygote.

Submissions (2):

PreventionGenetics, part of Exact Sciences
Classification: Likely benign for EP300-related condition. Last evaluated: 2025-06-13. Review status: criteria provided, single submitter. Criteria: ACMG Guidelines, 2015. Collection method: clinical testing. Allele origin: germline.
Comment: This variant is classified as likely benign based on ACMG/AMP sequence variant interpretation guidelines (Richards et al. 2015 PMID: 25741868, with internal and published modifications).

Labcorp Genetics (formerly Invitae), Labcorp
Classification: Likely benign for Rubinstein-Taybi syndrome due to EP300 haploinsufficiency. Last evaluated: 2024-06-17. Review status: criteria provided, single submitter. Criteria: Invitae Variant Classification Sherloc (09022015). Collection method: clinical testing. Allele origin: germline.

NM_001429.4(EP300):c.5412G>A (p.Pro1804=)

Gene: EP300 (EP300 lysine acetyltransferase; plus strand). Cytogenetic location: 22q13.2.
Variant type: single nucleotide variant.
Coding change: c.5412G>A on transcript NM_001429.4 (MANE Select); coding-DNA position 5412, G replaced by A.
Protein change: p.Pro1804=; no amino-acid change (proline 1804 retained).
Molecular consequence: synonymous variant.
Genome position (GRCh38, 1-based): chr22:41,177,123, G>A. VCF-style: chr22-41177123-G-A. GRCh37 (hg19) VCF-style: chr22-41573127-G-A.
Other names: c.5412G>A (NM_001429.3); c.5334G>A, p.Pro1778= (NM_001362843.2).
Identifiers: ClinVar variation 2168974 (VCV002168974.5), dbSNP rs368368055, ClinGen allele CA10253632.